The following is an entry in ClinVar:

ClinVar aggregate classification (germline): Uncertain significance (1 of 4 stars; one submission).

Conditions:
VKORC1-related disorder. Also called: VKORC1-related condition.

gnomAD v4.1: 4 of 1,608,246 alleles (0.00025%); highest among the groups gnomAD compares: Admixed American, 0.0067%; no homozygotes.

Submission:

PreventionGenetics, part of Exact Sciences
Classification: Uncertain significance for VKORC1-related condition. Last evaluated: 2023-01-08. Review status: criteria provided, single submitter. Criteria: ACMG Guidelines, 2015. Collection method: clinical testing. Allele origin: germline.
Comment: The VKORC1 c.36G>T variant is not predicted to result in an amino acid change (p.=). This variant may enhance a cryptic splice site based on available splicing prediction programs (Alamut Visual Plus v1.6.1). However, such computer prediction programs are imperfect. To our knowledge, this variant has not been reported in the literature. This variant is reported in 0.012% of alleles in individuals of Latino descent in gnomAD. At this time, the clinical significance of this variant is uncertain due to the absence of conclusive functional and genetic evidence.

NM_024006.6(VKORC1):c.36G>T (p.Arg12=)

Gene: VKORC1 (vitamin K epoxide reductase complex subunit 1; minus strand). Cytogenetic location: 16p11.2.
Variant type: single nucleotide variant.
Coding change: c.36G>T on transcript NM_024006.6 (MANE Select); coding-DNA position 36, G replaced by T.
Protein change: p.Arg12=; no amino-acid change (arginine 12 retained).
Molecular consequence: synonymous variant.
Genome position (GRCh38, 1-based): chr16:31,094,694, C>A on the plus strand (G>T on the coding strand, the complement: VKORC1 is on the minus strand). VCF-style: chr16-31094694-C-A. GRCh37 (hg19) VCF-style: chr16-31106015-C-A.
Other names: c.36G>T, p.Arg12= (NM_001311311.2, NM_206824.3).
Identifiers: ClinVar variation 2629952 (VCV002629952.1), dbSNP rs55894764, ClinGen allele CA494708330.
Genomic context (GRCh38, chr16:31,094,694, plus strand): 5'-CGCCGCCTTCACGTGCAGCGCGTAGAGCGAGAGCACTAAGCCCGTCAGGCAAAGAGCGAG[C>A]CGCACCCAGCCAGGGCTCCCCCAGGTGCTGCCCATTATCTCCAGGTTCCGCCCGAGGCGC-3'
Protein context (NP_076869.1, residues 2-22): GSTWGSPGWV[Arg12=]LALCLTGLVL